The following is an entry in ClinVar:

ClinVar aggregate classification (germline): Pathogenic (1 of 4 stars; one submission).

Conditions:
Primary ciliary dyskinesia 30. Also called: CILIARY DYSKINESIA, PRIMARY, 30, WITH OR WITHOUT SITUS INVERSUS. Identifiers: Orphanet 244, MedGen C4015016, MONDO:0014465, OMIM 616037.

Submission:

Labcorp Genetics (formerly Invitae), Labcorp
Classification: Pathogenic for Primary ciliary dyskinesia 30. Last evaluated: 2024-02-24. Review status: criteria provided, single submitter. Criteria: Invitae Variant Classification Sherloc (09022015). Collection method: clinical testing. Allele origin: germline.
Comment: This sequence change creates a premature translational stop signal (p.Asn197Lysfs*57) in the CCDC151 gene. It is expected to result in an absent or disrupted protein product. Loss-of-function variants in CCDC151 are known to be pathogenic (PMID: 25192045). This variant is not present in population databases (gnomAD no frequency). This variant has not been reported in the literature in individuals affected with CCDC151-related conditions. ClinVar contains an entry for this variant (Variation ID: 1682783). For these reasons, this variant has been classified as Pathogenic.

Literature cited by the submitters: PubMed 25192045.

NM_145045.5(ODAD3):c.591_592del (p.Asn197fs)

Gene: ODAD3 (outer dynein arm docking complex subunit 3; minus strand). Cytogenetic location: 19p13.2.
Variant type: Deletion.
Coding change: c.591_592del on transcript NM_145045.5 (MANE Select); coding-DNA positions 591 to 592, 2 bases deleted (CA; older notation c.591_592delCA).
Protein change: p.Asn197fs; shifts the reading frame from asparagine 197.
Molecular consequence: frameshift variant.
Genome position (GRCh38, 1-based): chr19:11,426,893-11,426,894, TG deleted on the plus strand (CA on the coding strand, the reverse complement: ODAD3 is on the minus strand); deleting any 2 consecutive bases within chr19:11,426,893-11,426,895 gives the same sequence; the c. name uses the placement nearest the transcript's 3' end. VCF-style (leftmost placement, unchanged base first): chr19-11426892-CTG-C. GRCh37 (hg19) VCF-style: chr19-11537712-CTG-C.
Other names: c.429_430del, p.Asn143fs (NM_001302453.1); c.513_514del, p.Asn171fs (NM_001302454.2); short protein forms N143fs, N171fs, N197fs.
Identifiers: ClinVar variation 1682783 (VCV001682783.6), dbSNP rs2144772827, ClinGen allele CA2573156044.